The following is an entry in ClinVar:

ClinVar aggregate classification (germline): Uncertain significance (1 of 4 stars; one submission).

Submission:

CeGaT Center for Human Genetics Tuebingen
Classification: Uncertain significance. Last evaluated: 2026-04-01. Review status: criteria provided, single submitter. Criteria: CeGaT Center For Human Genetics Tuebingen Variant Classification Criteria Version 2. Collection method: clinical testing. Allele origin: germline. Affected: yes. Observed: 2 variant alleles.
Comment: CAMSAP1: PM2, PM3:Supporting, PVS1:Supporting

NM_015447.4(CAMSAP1):c.3G>A (p.Met1Ile)

Genes: CAMSAP1 (calmodulin regulated spectrin associated protein 1; minus strand), LOC130002978 (ATAC-STARR-seq lymphoblastoid silent region 20490; plus strand). Cytogenetic location: 9q34.3.
Variant type: single nucleotide variant.
Coding change: c.3G>A on transcript NM_015447.4 (MANE Select); coding-DNA position 3, G replaced by A.
Protein change: p.Met1Ile; changes the start codon (methionine 1).
Molecular consequence: missense variant, initiator codon variant. On other transcripts: 5 prime UTR variant (3).
Genome position (GRCh38, 1-based): chr9:135,907,157, C>T on the plus strand (G>A on the coding strand, the complement: CAMSAP1 is on the minus strand). VCF-style: chr9-135907157-C-T. GRCh37 (hg19) VCF-style: chr9-138799003-C-T.
Other names: c.-690G>A (NM_001411031.1); c.3G>A, p.Met1Ile (NM_001437279.1); c.-167G>A (NM_001437280.1); c.-170G>A (NM_001437281.1); short protein forms M1I.
Identifiers: ClinVar variation 4872842 (VCV004872842.2).